The following is an entry in ClinVar:

NC_000008.10:g.(?_100115944)_(100711757_?)del

Gene: VPS13B (vacuolar protein sorting 13 homolog B; plus strand). Cytogenetic location: 8q22.2.
Variant type: Deletion.
Identifiers: ClinVar variation 3245484 (VCV003245484.1).

ClinVar aggregate classification (germline): Pathogenic (1 of 4 stars; one submission).

Conditions:
Cohen syndrome (COH1). Also called: Cutis verticis gyrata, retinitis pigmentosa, and sensorineural deafness; PEPPER SYNDROME. Identifiers: Orphanet 193, MedGen C0265223, MONDO:0008999, OMIM 216550.

Submission:

Labcorp Genetics (formerly Invitae), Labcorp
Classification: Pathogenic for Cohen syndrome. Last evaluated: 2023-10-09. Review status: criteria provided, single submitter. Criteria: Invitae Variant Classification Sherloc (09022015). Collection method: clinical testing. Allele origin: unknown.
Comment: This variant results in the deletion of exons 6-35 and part of exon 36 (c.580+596_6126del) of the VPS13B gene. It is expected to disrupt RNA splicing. Variants that disrupt the donor or acceptor splice site typically lead to a loss of protein function (PMID: 16199547), and loss-of-function variants in VPS13B are known to be pathogenic (PMID: 15141358, 16648375, 20461111). This variant has not been reported in the literature in individuals affected with VPS13B-related conditions. This variant disrupts a region of the VPS13B protein in which other variant(s) (deletion of exons 18-19) have been determined to be pathogenic (PMID: 19533689). This suggests that this is a clinically significant region of the protein, and that variants that disrupt it are likely to be disease-causing. For these reasons, this variant has been classified as Pathogenic.

Literature cited by the submitters: PubMed 16199547; PubMed 15141358; PubMed 16648375; PubMed 20461111; PubMed 19533689.